The following is an entry in ClinVar:

ClinVar aggregate classification (germline): Benign/Likely benign. Review status: criteria provided, multiple submitters, no conflicts (2 of 4 stars). 7 submissions from 7 submitters: Benign (3); Likely benign (4). Last evaluated 2026-01-26.

Conditions:
Basal cell carcinoma, susceptibility to, 1. Also called: BCC1. Identifiers: MedGen C2751544, MONDO:0011556, OMIM 605462.
Basal cell nevus syndrome 1 (BCNS1). Also called: GORLIN-GOLTZ SYNDROME; MULTIPLE BASAL CELL NEVI, ODONTOGENIC KERATOCYSTS, AND SKELETAL ANOMALIES. Identifiers: MedGen CN376810, MONDO:0958174, OMIM 109400.
Holoprosencephaly 7 (HPE7). Identifiers: Orphanet 2162, MedGen C1835820, MONDO:0012562, OMIM 610828.
Hereditary cancer-predisposing syndrome. Also called: Tumor predisposition; Neoplastic Syndromes, Hereditary; Hereditary Cancer Syndrome; Hereditary neoplastic syndrome. Identifiers: Orphanet 140162, MedGen C0027672, MeSH D009386, MONDO:0015356.
PTCH1-related disorder. Also called: PTCH1-related disorders; PTCH1-related condition.
Gorlin syndrome. Also called: Basal cell nevus syndrome; Nevoid Basal Cell Carcinoma Syndrome. Identifiers: Orphanet 377, MedGen C0004779, MONDO:0007187.

Allele frequency attached by ClinVar (database versions not stated): gnomAD 0.00007 and 0.00008; ESP Exome Variant Server 0.00008; gnomAD exomes 0.00011 and 0.00023; 1000 Genomes Project 30x 0.00016; TOPMed 0.00019; 1000 Genomes Project 0.00020; ExAC 0.00028.
gnomAD v4.1: 179 of 1,613,090 alleles (0.011%); highest among the groups gnomAD compares: East Asian, 0.065%; no homozygotes.

Submissions (7):

Labcorp Genetics (formerly Invitae), Labcorp
Classification: Benign for Gorlin syndrome. Last evaluated: 2026-01-26. Review status: criteria provided, single submitter. Criteria: Invitae Variant Classification Sherloc (09022015). Collection method: clinical testing. Allele origin: germline.

PreventionGenetics, part of Exact Sciences
Classification: Likely benign for PTCH1-related condition. Last evaluated: 2025-05-21. Review status: criteria provided, single submitter. Criteria: ACMG Guidelines, 2015. Collection method: clinical testing. Allele origin: germline.
Comment: This variant is classified as likely benign based on ACMG/AMP sequence variant interpretation guidelines (Richards et al. 2015 PMID: 25741868, with internal and published modifications).

Department of Pathology and Laboratory Medicine, Sinai Health System
Classification: Likely benign for Basal cell nevus syndrome 1; Basal cell carcinoma, susceptibility to, 1; Holoprosencephaly 7. Last evaluated: 2024-06-24. Review status: criteria provided, single submitter. Criteria: ACMG Guidelines, 2015. Collection method: clinical testing. Allele origin: germline. Affected: yes.

CeGaT Center for Human Genetics Tuebingen
Classification: Likely benign. Last evaluated: 2023-11-01. Review status: criteria provided, single submitter. Criteria: CeGaT Center For Human Genetics Tuebingen Variant Classification Criteria Version 2. Collection method: clinical testing. Allele origin: germline. Affected: yes. Observed: 1 variant allele.
Comment: PTCH1: BP4, BP7, BS1

Women's Health and Genetics/Laboratory Corporation of America, LabCorp
Classification: Benign. Last evaluated: 2023-08-19. Review status: criteria provided, single submitter. Criteria: LabCorp Variant Classification Summary - May 2015. Collection method: clinical testing. Allele origin: germline.

Sema4
Classification: Benign for Hereditary cancer-predisposing syndrome. Last evaluated: 2022-01-14. Review status: criteria provided, single submitter. Criteria: Sema4 Curation Guidelines. Collection method: curation. Allele origin: germline.

Ambry Genetics
Classification: Likely benign for Hereditary cancer-predisposing syndrome. Last evaluated: 2017-03-10. Review status: criteria provided, single submitter. Criteria: Ambry Variant Classification Scheme 2023. Collection method: clinical testing. Allele origin: germline.

NM_000264.5(PTCH1):c.3963C>T (p.Asp1321=)

Gene: PTCH1 (patched 1; minus strand). Cytogenetic location: 9q22.32.
Variant type: single nucleotide variant.
Coding change: c.3963C>T on transcript NM_000264.5 (MANE Select); coding-DNA position 3963, C replaced by T.
Protein change: p.Asp1321=; no amino-acid change (aspartic acid 1321 retained).
Molecular consequence: synonymous variant. On other transcripts: non-coding transcript variant (1).
Genome position (GRCh38, 1-based): chr9:95,447,293, G>A on the plus strand (C>T on the coding strand, the complement: PTCH1 is on the minus strand). VCF-style: chr9-95447293-G-A. GRCh37 (hg19) VCF-style: chr9-98209575-G-A.
Other names: c.3765C>T, p.Asp1255= (NM_001083602.3); c.3960C>T, p.Asp1320= (NM_001083603.3); c.3510C>T, p.Asp1170= (NM_001083604.3, NM_001083605.3, NM_001083606.3 and 1 more transcripts); c.3807C>T, p.Asp1269= (NM_001354918.2).
Identifiers: ClinVar variation 215460 (VCV000215460.43), dbSNP rs139071993, ClinGen allele CA335806.